The following is an entry in ClinVar:

ClinVar aggregate classification (germline): Uncertain significance (1 of 4 stars; one submission).

Allele frequency attached by ClinVar (database versions not stated): gnomAD exomes below 0.00001.
gnomAD v4.1: 1 of 1,604,798 alleles (0.000062%); highest among the groups gnomAD compares: Non-Finnish European, 0.000085%; no homozygotes.

Submission:

Labcorp Genetics (formerly Invitae), Labcorp
Classification: Uncertain significance. Last evaluated: 2022-09-18. Review status: criteria provided, single submitter. Criteria: Invitae Variant Classification Sherloc (09022015). Collection method: clinical testing. Allele origin: germline.
Comment: Algorithms developed to predict the effect of missense changes on protein structure and function are either unavailable or do not agree on the potential impact of this missense change (SIFT: "Tolerated"; PolyPhen-2: "Possibly Damaging"; Align-GVGD: "Class C0"). This variant has not been reported in the literature in individuals affected with KMT2E-related conditions. This variant is not present in population databases (gnomAD no frequency). This sequence change replaces proline, which is neutral and non-polar, with threonine, which is neutral and polar, at codon 1694 of the KMT2E protein (p.Pro1694Thr). In summary, the available evidence is currently insufficient to determine the role of this variant in disease. Therefore, it has been classified as a Variant of Uncertain Significance.

NM_182931.3(KMT2E):c.5080C>A (p.Pro1694Thr)

Gene: KMT2E (lysine methyltransferase 2E (inactive); plus strand). Cytogenetic location: 7q22.3.
Variant type: single nucleotide variant.
Coding change: c.5080C>A on transcript NM_182931.3 (MANE Select); coding-DNA position 5080, C replaced by A.
Protein change: p.Pro1694Thr; replaces proline 1694 with threonine.
Molecular consequence: missense variant.
Genome position (GRCh38, 1-based): chr7:105,112,836, C>A. VCF-style: chr7-105112836-C-A. GRCh37 (hg19) VCF-style: chr7-104753283-C-A.
Other names: c.4954C>A, p.Pro1652Thr (NM_001410908.1); c.5080C>A, p.Pro1694Thr (NM_018682.4); short protein forms P1652T, P1694T.
Identifiers: ClinVar variation 1714885 (VCV001714885.5), dbSNP rs2536527751, ClinGen allele CA368794188.